The following is an entry in ClinVar:

NM_000169.3(GLA):c.656T>A (p.Ile219Asn)

Genes: GLA (galactosidase alpha; minus strand), RPL36A-HNRNPH2 (RPL36A-HNRNPH2 readthrough; plus strand). Cytogenetic location: Xq22.1.
Variant type: single nucleotide variant.
Coding change: c.656T>A on transcript NM_000169.3 (MANE Select); coding-DNA position 656, T replaced by A.
Protein change: p.Ile219Asn; replaces isoleucine 219 with asparagine.
Molecular consequence: missense variant. On other transcripts: non-coding transcript variant (3), intron variant (2).
Genome position (GRCh38, 1-based): chrX:101,398,930, A>T on the plus strand (T>A on the coding strand, the complement: GLA is on the minus strand). VCF-style: chrX-101398930-A-T. GRCh37 (hg19) VCF-style: chrX-100653918-A-T.
Other names: c.779T>A, p.Ile260Asn (NM_001406747.1); c.656T>A, p.Ile219Asn (NM_001406748.1); c.300+3473A>T (NM_001199973.2); c.177+7108A>T (NM_001199974.2); short protein forms I219N, I260N.
Identifiers: ClinVar variation 4087452 (VCV004087452.2).

ClinVar aggregate classification (germline): Likely pathogenic (1 of 4 stars; one submission).

Conditions:
Fabry disease. Also called: ALPHA-GALACTOSIDASE A DEFICIENCY; ANDERSON-FABRY DISEASE; CERAMIDE TRIHEXOSIDASE DEFICIENCY; GLA DEFICIENCY; HEREDITARY DYSTOPIC LIPIDOSIS; Angiokeratoma corporis diffusum. Identifiers: Orphanet 324, MedGen C0002986, MONDO:0010526, OMIM 301500, HP:0001071. Disease mechanism: Fabry disease is due to inactivating mutations in the X-linked GLA gene resulting in deficiency of the enzyme Alpha Galactosidase-A., loss of function.

Submission:

Genomenon, Inc
Classification: Likely pathogenic for Fabry disease. Last evaluated: 2026-09-08. Review status: criteria provided, single submitter. Criteria: Genomenon Sequence Variant Interpretation Standards - Updated. Collection method: curation. Allele origin: germline. Affected: no.
Comment: GLA p.Ile219Asn (c.656T>A) is a missense variant that changes the amino acid at codon 219 from Isoleucine to Asparagine. To our knowledge, this variant has not been reported in patients affected with Fabry disease in the published literature. At least one functional study has demonstrated a substantial alteration in protein function relative to the wild-type (PMID:27657681). It is absent or not present at a significant frequency in gnomAD. In silico models predict that this variant is possibly or probably damaging. In conclusion, we classify GLA p.Ile219Asn (c.656T>A) as a likely pathogenic variant.

Literature cited by the submitters: PubMed 27657681.